The following is an entry in ClinVar:

NM_012464.5(TLL1):c.2073A>G (p.Lys691=)

Gene: TLL1 (tolloid like 1; plus strand). Cytogenetic location: 4q32.3.
Variant type: single nucleotide variant.
Coding change: c.2073A>G on transcript NM_012464.5 (MANE Select); coding-DNA position 2073, A replaced by G.
Protein change: p.Lys691=; no amino-acid change (lysine 691 retained).
Molecular consequence: synonymous variant.
Genome position (GRCh38, 1-based): chr4:166,065,748, A>G. VCF-style: chr4-166065748-A-G. GRCh37 (hg19) VCF-style: chr4-166986900-A-G.
Identifiers: ClinVar variation 710956 (VCV000710956.6), dbSNP rs112517603, ClinGen allele CA3131103.

ClinVar aggregate classification (germline): Benign/Likely benign. Review status: criteria provided, multiple submitters, no conflicts (2 of 4 stars). 3 submissions from 3 submitters: Benign (1); Likely benign (1). 1 of the submissions does not count toward it. Last evaluated 2024-11-14.

Conditions:
TLL1-related disorder. Also called: TLL1-related condition.

Allele frequency attached by ClinVar (database versions not stated): gnomAD exomes 0.00046 and 0.00119; ExAC 0.00137; 1000 Genomes Project 30x 0.00453; 1000 Genomes Project 0.00459; gnomAD 0.00499 and 0.00540; ESP Exome Variant Server 0.00500; TOPMed 0.00524.
gnomAD v4.1: 1,445 of 1,613,146 alleles (0.09%); highest among the groups gnomAD compares: African/African-American, 1.7%; 14 homozygotes.

Submissions (3):

Blueprint Genetics
Classification: Likely benign. Last evaluated: 2024-11-14. Review status: criteria provided, single submitter. Criteria: ACMG Guidelines, 2015. Collection method: clinical testing. Allele origin: germline.

Labcorp Genetics (formerly Invitae), Labcorp
Classification: Benign. Last evaluated: 2018-01-30. Review status: criteria provided, single submitter. Criteria: Invitae Variant Classification Sherloc (09022015). Collection method: clinical testing. Allele origin: germline.

PreventionGenetics, part of Exact Sciences
Classification: Benign for TLL1-related condition. Last evaluated: 2019-04-11. Review status: no assertion criteria provided. Collection method: clinical testing. Allele origin: germline. Not counted in ClinVar's aggregate classification.
Comment: This variant is classified as benign based on ACMG/AMP sequence variant interpretation guidelines (Richards et al. 2015 PMID: 25741868, with internal and published modifications).